The following is an entry in ClinVar:

NM_001286446.3(RIPOR2):c.49G>A (p.Asp17Asn)

Gene: RIPOR2 (RHO family interacting cell polarization regulator 2; minus strand). Cytogenetic location: 6p22.3.
Variant type: single nucleotide variant.
Coding change: c.49G>A on transcript NM_001286446.3; coding-DNA position 49, G replaced by A.
Protein change: p.Asp17Asn; replaces aspartic acid 17 with asparagine.
Molecular consequence: missense variant.
Genome position (GRCh38, 1-based): chr6:25,041,878, C>T on the plus strand (G>A on the coding strand, the complement: RIPOR2 is on the minus strand). VCF-style: chr6-25041878-C-T. GRCh37 (hg19) VCF-style: chr6-25042106-C-T.
Other names: short protein forms D17N.
Identifiers: ClinVar variation 4821548 (VCV004821548.4).

ClinVar aggregate classification (germline): Likely benign (1 of 4 stars; one submission).

gnomAD v4.1: 4 of 702,888 alleles (0.00057%); highest among the groups gnomAD compares: Non-Finnish European, 0.00052%; no homozygotes.

Submission:

CeGaT Center for Human Genetics Tuebingen
Classification: Likely benign. Last evaluated: 2026-02-01. Review status: criteria provided, single submitter. Criteria: CeGaT Center For Human Genetics Tuebingen Variant Classification Criteria Version 2. Collection method: clinical testing. Allele origin: germline. Affected: yes. Observed: 1 variant allele.
Comment: RIPOR2: BP4